The following is an entry in ClinVar:

NM_001454.4(FOXJ1):c.174C>A (p.Asp58Glu)

Genes: FOXJ1 (forkhead box J1; minus strand), LOC130061707 (ATAC-STARR-seq lymphoblastoid silent region 9003; plus strand). Cytogenetic location: 17q25.1.
Variant type: single nucleotide variant.
Coding change: c.174C>A on transcript NM_001454.4 (MANE Select); coding-DNA position 174, C replaced by A.
Protein change: p.Asp58Glu; replaces aspartic acid 58 with glutamic acid.
Molecular consequence: missense variant.
Genome position (GRCh38, 1-based): chr17:76,140,222, G>T on the plus strand (C>A on the coding strand, the complement: FOXJ1 is on the minus strand). VCF-style: chr17-76140222-G-T. GRCh37 (hg19) VCF-style: chr17-74136303-G-T.
Other names: short protein forms D58E.
Identifiers: ClinVar variation 3572682 (VCV003572682.2).

ClinVar aggregate classification (germline): Uncertain significance (1 of 4 stars; one submission).

Submission:

GeneDx
Classification: Uncertain significance. Last evaluated: 2026-06-11. Review status: criteria provided, single submitter. Criteria: GeneDx Variant Classification Process June 2021. Collection method: clinical testing. Allele origin: germline.
Comment: In silico analysis suggests that this missense variant does not alter protein structure/function; Has not been previously published as pathogenic or benign to our knowledge